The following is an entry in ClinVar:

ClinVar aggregate classification (germline): Uncertain significance. Review status: criteria provided, multiple submitters, no conflicts (2 of 4 stars). 5 submissions from 5 submitters: Uncertain significance (5). Last evaluated 2026-01-06.

Conditions:
Familial thoracic aortic aneurysm and aortic dissection (TAAD). Also called: Thoracic aortic aneurysms and dissections. Identifiers: Orphanet 91387, MedGen C4707243, MONDO:0019625.
Aortic aneurysm, familial thoracic 4 (AAT4). Also called: AORTIC ANEURYSM/AORTIC DISSECTION AND PATENT DUCTUS ARTERIOSUS. Identifiers: MedGen C1851504, MONDO:0007568, OMIM 132900.

Allele frequency attached by ClinVar (database versions not stated): gnomAD exomes below 0.00001 and 0.00001; ExAC 0.00002; gnomAD 0.00003 and 0.00004; TOPMed 0.00003; ESP Exome Variant Server 0.00008.
gnomAD v4.1: 10 of 1,614,092 alleles (0.00062%); highest among the groups gnomAD compares: African/African-American, 0.012%; no homozygotes.

Submissions (5):

Labcorp Genetics (formerly Invitae), Labcorp
Classification: Uncertain significance for Aortic aneurysm, familial thoracic 4. Last evaluated: 2026-01-06. Review status: criteria provided, single submitter. Criteria: Invitae Variant Classification Sherloc (09022015). Collection method: clinical testing. Allele origin: germline.
Comment: This sequence change replaces glutamic acid, which is acidic and polar, with valine, which is neutral and non-polar, at codon 867 of the MYH11 protein (p.Glu867Val). This variant is present in population databases (rs373789068, gnomAD 0.01%). This variant has not been reported in the literature in individuals affected with MYH11-related conditions. ClinVar contains an entry for this variant (Variation ID: 632913). Invitae Evidence Modeling of protein sequence and biophysical properties (such as structural, functional, and spatial information, amino acid conservation, physicochemical variation, residue mobility, and thermodynamic stability) indicates that this missense variant is not expected to disrupt MYH11 protein function with a negative predictive value of 80%. In summary, the available evidence is currently insufficient to determine the role of this variant in disease. Therefore, it has been classified as a Variant of Uncertain Significance.

GeneDx
Classification: Uncertain significance. Last evaluated: 2025-03-16. Review status: criteria provided, single submitter. Criteria: GeneDx Variant Classification Process June 2021. Collection method: clinical testing. Allele origin: germline. Affected: yes.
Comment: Not observed at significant frequency in large population cohorts (gnomAD); In silico analysis supports that this missense variant has a deleterious effect on protein structure/function; Has not been previously published as pathogenic or benign to our knowledge

Color Diagnostics, LLC DBA Color Health
Classification: Uncertain significance for Familial thoracic aortic aneurysm and aortic dissection. Last evaluated: 2024-02-06. Review status: criteria provided, single submitter. Criteria: ACMG Guidelines, 2015. Collection method: clinical testing. Allele origin: germline.
Comment: This missense variant replaces glutamic acid with valine at codon 867 of the MYH11 protein. Computational prediction suggests that this variant may have deleterious impact on protein structure and function (internally defined REVEL score threshold >= 0.7, PMID: 27666373). To our knowledge, functional studies have not been reported for this variant. This variant has not been reported in individuals affected with MYH11-related disorders in the literature. This variant has been identified in 3/282880 chromosomes in the general population by the Genome Aggregation Database (gnomAD). The available evidence is insufficient to determine the role of this variant in disease conclusively. Therefore, this variant is classified as a Variant of Uncertain Significance.

Ambry Genetics
Classification: Uncertain significance for Familial thoracic aortic aneurysm and aortic dissection. Last evaluated: 2021-10-12. Review status: criteria provided, single submitter. Criteria: Ambry Variant Classification Scheme 2023. Collection method: clinical testing. Allele origin: germline.
Comment: The p.E860V variant (also known as c.2579A>T), located in coding exon 20 of the MYH11 gene, results from an A to T substitution at nucleotide position 2579. The glutamic acid at codon 860 is replaced by valine, an amino acid with dissimilar properties. This amino acid position is conserved. In addition, this alteration is predicted to be deleterious by in silico analysis. Since supporting evidence is limited at this time, the clinical significance of this alteration remains unclear.

Women's Health and Genetics/Laboratory Corporation of America, LabCorp
Classification: Uncertain significance. Last evaluated: 2018-04-30. Review status: criteria provided, single submitter. Criteria: LabCorp Variant Classification Summary - May 2015. Collection method: clinical testing. Allele origin: germline.
Comment: Variant summary: MYH11 c.2600A>T (p.Glu867Val) results in a non-conservative amino acid change in the encoded protein sequence. Four of five in-silico tools predict a damaging effect of the variant on protein function. The variant allele was found at a frequency of 1.1e-05 in 277222 control chromosomes (3 occurrences). The observed variant frequency is approximately 8.66 fold of the estimated maximal expected allele frequency for a pathogenic variant in MYH11 causing Aortopathy phenotype (1.3e-06), suggesting that the variant may be benign. To our knowledge, no occurrence of c.2600A>T in individuals affected with Aortopathy and no experimental evidence demonstrating its impact on protein function have been reported. No clinical diagnostic laboratories have submitted clinical-significance assessments for this variant to ClinVar after 2014. Based on the evidence outlined above, the variant was classified as uncertain significance.

NM_002474.3(MYH11):c.2579A>T (p.Glu860Val)

Gene: MYH11 (myosin heavy chain 11; minus strand). Cytogenetic location: 16p13.11.
Variant type: single nucleotide variant.
Coding change: c.2579A>T on transcript NM_002474.3 (MANE Select); coding-DNA position 2579, A replaced by T.
Protein change: p.Glu860Val; replaces glutamic acid 860 with valine.
Molecular consequence: missense variant.
Genome position (GRCh38, 1-based): chr16:15,741,833, T>A on the plus strand (A>T on the coding strand, the complement: MYH11 is on the minus strand). VCF-style: chr16-15741833-T-A. GRCh37 (hg19) VCF-style: chr16-15835690-T-A.
Other names: c.2600A>T, p.Glu867Val (NM_001040113.2, NM_001040114.2); c.2579A>T, p.Glu860Val (NM_022844.3); short protein forms E860V, E867V.
Identifiers: ClinVar variation 632913 (VCV000632913.8), dbSNP rs373789068, ClinGen allele CA7922227.